The following is an entry in ClinVar:

ClinVar aggregate classification (germline): Uncertain significance (1 of 4 stars; one submission).

Conditions:
Long QT syndrome (LQTS). Identifiers: MedGen C0023976, MeSH D008133, MONDO:0002442. Disease mechanism: loss of function. Inheritance: Various modes of inheritance.

Submission:

Labcorp Genetics (formerly Invitae), Labcorp
Classification: Uncertain significance for Long QT syndrome. Last evaluated: 2025-03-31. Review status: criteria provided, single submitter. Criteria: Invitae Variant Classification Sherloc (09022015). Collection method: clinical testing. Allele origin: germline.
Comment: This sequence change replaces cysteine, which is neutral and slightly polar, with tyrosine, which is neutral and polar, at codon 1220 of the AKAP9 protein (p.Cys1220Tyr). This variant is present in population databases (rs375200151, gnomAD 0.003%). This variant has not been reported in the literature in individuals affected with AKAP9-related conditions. ClinVar contains an entry for this variant (Variation ID: 1478421). An algorithm developed to predict the effect of missense changes on protein structure and function outputs the following: PolyPhen-2: "Benign". The tyrosine amino acid residue is found in multiple mammalian species, which suggests that this missense change does not adversely affect protein function. In summary, the available evidence is currently insufficient to determine the role of this variant in disease. Therefore, it has been classified as a Variant of Uncertain Significance.

NM_005751.5(AKAP9):c.3659G>A (p.Cys1220Tyr)

Gene: AKAP9 (A-kinase anchoring protein 9; plus strand). Cytogenetic location: 7q21.2.
Variant type: single nucleotide variant.
Coding change: c.3659G>A on transcript NM_005751.5 (MANE Select); coding-DNA position 3659, G replaced by A.
Protein change: p.Cys1220Tyr; replaces cysteine 1220 with tyrosine.
Molecular consequence: missense variant.
Genome position (GRCh38, 1-based): chr7:92,016,175, G>A. VCF-style: chr7-92016175-G-A. GRCh37 (hg19) VCF-style: chr7-91645489-G-A.
Other names: c.3659G>A, p.Cys1220Tyr (NM_147185.3); short protein forms C1220Y.
Identifiers: ClinVar variation 1478421 (VCV001478421.8), dbSNP rs375200151, ClinGen allele CA4336366.